The following is an entry in ClinVar:

ClinVar aggregate classification (germline): Pathogenic/Likely pathogenic. Review status: criteria provided, multiple submitters, no conflicts (2 of 4 stars). 3 submissions from 3 submitters: Pathogenic (1); Likely pathogenic (1). 1 of the submissions does not count toward it. Last evaluated 2023-12-05.

Conditions:
Fucosidosis. Also called: ALPHA-L-FUCOSIDASE DEFICIENCY. Identifiers: Orphanet 349, MedGen C0016788, MONDO:0009254, OMIM 230000.

Submissions (3):

Labcorp Genetics (formerly Invitae), Labcorp
Classification: Likely pathogenic for Fucosidosis. Last evaluated: 2023-12-05. Review status: criteria provided, single submitter. Criteria: Invitae Variant Classification Sherloc (09022015). Collection method: clinical testing. Allele origin: germline.
Comment: This variant results in the deletion of part of exon 3 (c.662_662+8del) of the FUCA1 gene. It is expected to disrupt RNA splicing. Variants that disrupt the donor or acceptor splice site typically lead to a loss of protein function (PMID: 16199547), and loss-of-function variants in FUCA1 are known to be pathogenic (PMID: 10094192). This variant is present in population databases (rs766794815, gnomAD 0.0009%). This variant has not been reported in the literature in individuals affected with FUCA1-related conditions. ClinVar contains an entry for this variant (Variation ID: 988780). Algorithms developed to predict the effect of sequence changes on RNA splicing suggest that this variant may disrupt the consensus splice site. In summary, the currently available evidence indicates that the variant is pathogenic, but additional data are needed to prove that conclusively. Therefore, this variant has been classified as Likely Pathogenic.

Imagene.me medical diagnostic laboratory, IMAGENE.ME SA
Classification: Pathogenic for Fucosidosis. Review status: criteria provided, single submitter. Criteria: IMAGENE.ME Variant Classification SOP 2022. Collection method: clinical testing. Allele origin: germline. Affected: yes.
Comment: Classified according to the IMAGENE.ME variant classification SOP based on the ACMG guidelines as Pathogenic (P): PVS1 + PM2 + PM3_Supporting + PP4_Moderate

Laboratory of Genomics, National Research Institute of Animal Production
Classification: Likely pathogenic for Fucosidosis. Last evaluated: 2020-12-11. Review status: no assertion criteria provided. Collection method: research. Allele origin: germline. Inheritance: Autosomal dominant inheritance. Affected: yes. Observed: 1 homozygote. Not counted in ClinVar's aggregate classification.
Comment: 9-base-pair deletion (NG_013346.1:g.10233-10241delACAGGTAAG) covering the junction between exon 3 (4 bases) and intron 3 (5 bases) within FUCA1 sequence was associated with fucosidosis.

Literature cited by the submitters: PubMed 16199547 (cited by Labcorp Genetics (formerly Invitae), Labcorp); PubMed 10094192 (cited by Labcorp Genetics (formerly Invitae), Labcorp).

NM_000147.5(FUCA1):c.662_662+8del

Gene: FUCA1 (alpha-L-fucosidase 1; minus strand). Cytogenetic location: 1p36.11.
Variant type: Deletion.
Coding change: c.662_662+8del on transcript NM_000147.5 (MANE Select); coding-DNA position 662 through 8 bases into the intron after coding-DNA position 662, 9 bases deleted (GGTAAGACA; older notation c.662_662+8delGGTAAGACA).
Molecular consequence: splice donor variant.
Genome position (GRCh38, 1-based): chr1:23,863,126-23,863,134, TGTCTTACC deleted on the plus strand (GGTAAGACA on the coding strand, the reverse complement: FUCA1 is on the minus strand); deleting any 9 consecutive bases within chr1:23,863,126-23,863,137 gives the same sequence; the c. name uses the placement nearest the transcript's 3' end. VCF-style (leftmost placement, unchanged base first): chr1-23863125-GTGTCTTACC-G. GRCh37 (hg19) VCF-style: chr1-24189615-GTGTCTTACC-G.
Identifiers: ClinVar variation 988780 (VCV000988780.8), dbSNP rs766794815, ClinGen allele CA686489.
Genomic context (GRCh38, chr1:23,863,125, plus strand): 5'-ATGGTACCCTATAGGAAGCTCTGATTTCATTGATAAAAGTCATAGGGCCAAAATATTTCA[GTGTCTTACC>G]TGTTAACAAGGTCGTACAGCTCTGGCATTGTTTTTGCACTGACAAAATGCTGTGTTTTGA-3'